The following is an entry in ClinVar:

NM_000168.6(GLI3):c.3383A>G (p.Asp1128Gly)

Gene: GLI3 (GLI family zinc finger 3; minus strand). Cytogenetic location: 7p14.1.
Variant type: single nucleotide variant.
Coding change: c.3383A>G on transcript NM_000168.6 (MANE Select); coding-DNA position 3383, A replaced by G.
Protein change: p.Asp1128Gly; replaces aspartic acid 1128 with glycine.
Molecular consequence: missense variant.
Genome position (GRCh38, 1-based): chr7:41,965,690, T>C on the plus strand (A>G on the coding strand, the complement: GLI3 is on the minus strand). VCF-style: chr7-41965690-T-C. GRCh37 (hg19) VCF-style: chr7-42005288-T-C.
Other names: short protein forms D1128G.
Identifiers: ClinVar variation 3748308 (VCV003748308.2).

ClinVar aggregate classification (germline): Uncertain significance (1 of 4 stars; one submission).

Conditions:
Pallister-Hall syndrome (PHS). Also called: HYPOTHALAMIC HAMARTOBLASTOMA, HYPOPITUITARISM, IMPERFORATE ANUS, AND POSTAXIAL POLYDACTYLY; GLI3-Related Pallister-Hall Syndrome. Identifiers: Orphanet 672, MedGen C0265220, MONDO:0007804, OMIM 146510.
Greig cephalopolysyndactyly syndrome (GCPS). Also called: GLI3-Related Greig Cephalopolysyndactyly Syndrome; POLYSYNDACTYLY WITH PECULIAR SKULL SHAPE; Greig syndrome. Identifiers: Orphanet 380, MedGen C0265306, MONDO:0008287, OMIM 175700.

gnomAD v4.1: 1 of 1,613,252 alleles (0.000062%); highest among the groups gnomAD compares: African/African-American, 0.0013%; no homozygotes.

Submission:

Labcorp Genetics (formerly Invitae), Labcorp
Classification: Uncertain significance for Pallister-Hall syndrome; Greig cephalopolysyndactyly syndrome. Last evaluated: 2024-10-29. Review status: criteria provided, single submitter. Criteria: Invitae Variant Classification Sherloc (09022015). Collection method: clinical testing. Allele origin: germline.
Comment: This sequence change replaces aspartic acid, which is acidic and polar, with glycine, which is neutral and non-polar, at codon 1128 of the GLI3 protein (p.Asp1128Gly). This variant is not present in population databases (gnomAD no frequency). This variant has not been reported in the literature in individuals affected with GLI3-related conditions. Invitae Evidence Modeling of protein sequence and biophysical properties (such as structural, functional, and spatial information, amino acid conservation, physicochemical variation, residue mobility, and thermodynamic stability) indicates that this missense variant is not expected to disrupt GLI3 protein function with a negative predictive value of 95%. In summary, the available evidence is currently insufficient to determine the role of this variant in disease. Therefore, it has been classified as a Variant of Uncertain Significance.